The following is an entry in ClinVar:

ClinVar aggregate classification (germline): Uncertain significance (1 of 4 stars; one submission).

Conditions:
Neuroblastoma, susceptibility to, 3. Also called: ALK-Related Neuroblastic Tumor Susceptibility. Identifiers: Orphanet 635, MedGen C2751681, MONDO:0013083, OMIM 613014.

Submission:

Labcorp Genetics (formerly Invitae), Labcorp
Classification: Uncertain significance for Neuroblastoma, susceptibility to, 3. Last evaluated: 2023-05-11. Review status: criteria provided, single submitter. Criteria: Invitae Variant Classification Sherloc (09022015). Collection method: clinical testing. Allele origin: germline.
Comment: ClinVar contains an entry for this variant (Variation ID: 1507846). This variant has not been reported in the literature in individuals affected with ALK-related conditions. This variant is not present in population databases (gnomAD no frequency). This sequence change replaces serine, which is neutral and polar, with phenylalanine, which is neutral and non-polar, at codon 205 of the ALK protein (p.Ser205Phe). An algorithm developed to predict the effect of missense changes on protein structure and function (PolyPhen-2) suggests that this variant is likely to be tolerated. In summary, the available evidence is currently insufficient to determine the role of this variant in disease. Therefore, it has been classified as a Variant of Uncertain Significance.

NM_004304.5(ALK):c.614C>T (p.Ser205Phe)

Gene: ALK (ALK receptor tyrosine kinase; minus strand). Cytogenetic location: 2p23.1.
Variant type: single nucleotide variant.
Coding change: c.614C>T on transcript NM_004304.5 (MANE Select); coding-DNA position 614, C replaced by T.
Protein change: p.Ser205Phe; replaces serine 205 with phenylalanine.
Molecular consequence: missense variant.
Genome position (GRCh38, 1-based): chr2:29,920,046, G>A on the plus strand (C>T on the coding strand, the complement: ALK is on the minus strand). VCF-style: chr2-29920046-G-A. GRCh37 (hg19) VCF-style: chr2-30142912-G-A.
Other names: short protein forms S205F.
Identifiers: ClinVar variation 1507846 (VCV001507846.8), dbSNP rs2148442872, ClinGen allele CA346589683.